The following is an entry in ClinVar:

ClinVar aggregate classification (germline): Uncertain significance (1 of 4 stars; one submission).

Conditions:
Hereditary cancer-predisposing syndrome. Also called: Hereditary Cancer Syndrome; Tumor predisposition; Hereditary neoplastic syndrome; Neoplastic Syndromes, Hereditary. Identifiers: Orphanet 140162, MedGen C0027672, MeSH D009386, MONDO:0015356.
Cardiovascular phenotype. Identifiers: MedGen CN230736.

Submission:

Ambry Genetics
Classification: Uncertain significance for Cardiovascular phenotype; Hereditary cancer-predisposing syndrome. Last evaluated: 2024-11-16. Review status: criteria provided, single submitter. Criteria: Ambry Variant Classification Scheme 2023. Collection method: clinical testing. Allele origin: germline.
Comment: The p.I237L variant (also known as c.709A>C), located in coding exon 7 of the NF1 gene, results from an A to C substitution at nucleotide position 709. The isoleucine at codon 237 is replaced by leucine, an amino acid with highly similar properties. This amino acid position is conserved. In addition, this alteration is predicted to be tolerated by in silico analysis. Based on the available evidence, the clinical significance of this variant remains unclear.

NM_001042492.3(NF1):c.709A>C (p.Ile237Leu)

Gene: NF1 (neurofibromin 1; plus strand). Cytogenetic location: 17q11.2.
Variant type: single nucleotide variant.
Coding change: c.709A>C on transcript NM_001042492.3 (MANE Select); coding-DNA position 709, A replaced by C.
Protein change: p.Ile237Leu; replaces isoleucine 237 with leucine.
Molecular consequence: missense variant.
Genome position (GRCh38, 1-based): chr17:31,181,764, A>C. VCF-style: chr17-31181764-A-C. GRCh37 (hg19) VCF-style: chr17-29508782-A-C.
Other names: c.709A>C, p.Ile237Leu (NM_000267.4, NM_001128147.3); short protein forms I237L.
Identifiers: ClinVar variation 3404921 (VCV003404921.1).